The following is an entry in ClinVar:

ClinVar aggregate classification (germline): Conflicting classifications of pathogenicity. Review status: criteria provided, conflicting classifications (1 of 4 stars). 2 submissions from 2 submitters: Uncertain significance (1); Likely benign (1). Last evaluated 2026-01-14.

Conditions:
Inborn genetic diseases. Identifiers: MedGen C0950123, MeSH D030342.

Allele frequency attached by ClinVar (database versions not stated): gnomAD 0.00002; TOPMed 0.00003; ExAC 0.00004; ESP Exome Variant Server 0.00008.
gnomAD v4.1: 26 of 1,613,918 alleles (0.0016%); highest among the groups gnomAD compares: Admixed American, 0.01%; no homozygotes.

Submissions (2):

Labcorp Genetics (formerly Invitae), Labcorp
Classification: Uncertain significance. Last evaluated: 2026-01-14. Review status: criteria provided, single submitter. Criteria: Invitae Variant Classification Sherloc (09022015). Collection method: clinical testing. Allele origin: germline.
Comment: This sequence change replaces arginine, which is basic and polar, with glutamine, which is neutral and polar, at codon 431 of the COL4A2 protein (p.Arg431Gln). This variant is present in population databases (rs376488796, gnomAD 0.01%). This variant has not been reported in the literature in individuals affected with COL4A2-related conditions. ClinVar contains an entry for this variant (Variation ID: 2067526). Invitae Evidence Modeling of protein sequence and biophysical properties (such as structural, functional, and spatial information, amino acid conservation, physicochemical variation, residue mobility, and thermodynamic stability) indicates that this missense variant is not expected to disrupt COL4A2 protein function with a negative predictive value of 95%. In summary, the available evidence is currently insufficient to determine the role of this variant in disease. Therefore, it has been classified as a Variant of Uncertain Significance.

Ambry Genetics
Classification: Likely benign for Inborn genetic diseases. Last evaluated: 2024-05-14. Review status: criteria provided, single submitter. Criteria: Ambry Variant Classification Scheme 2023. Collection method: clinical testing. Allele origin: germline.

NM_001846.4(COL4A2):c.1292G>A (p.Arg431Gln)

Gene: COL4A2 (collagen type IV alpha 2 chain; plus strand). Cytogenetic location: 13q34.
Variant type: single nucleotide variant.
Coding change: c.1292G>A on transcript NM_001846.4 (MANE Select); coding-DNA position 1292, G replaced by A.
Protein change: p.Arg431Gln; replaces arginine 431 with glutamine.
Molecular consequence: missense variant.
Genome position (GRCh38, 1-based): chr13:110,450,407, G>A. VCF-style: chr13-110450407-G-A. GRCh37 (hg19) VCF-style: chr13-111102754-G-A.
Other names: c.1292G>A (NM_001846.2); short protein forms R431Q.
Identifiers: ClinVar variation 2067526 (VCV002067526.5), dbSNP rs376488796, ClinGen allele CA7049365.